The following is an entry in ClinVar:

NM_015910.7(WDPCP):c.825+1G>A

Gene: WDPCP (WD repeat containing planar cell polarity effector; minus strand). Cytogenetic location: 2p15.
Variant type: single nucleotide variant.
Coding change: c.825+1G>A on transcript NM_015910.7 (MANE Select); the canonical splice donor site of the intron after coding-DNA position 825, G replaced by A.
Molecular consequence: splice donor variant.
Genome position (GRCh38, 1-based): chr2:63,433,744, C>T on the plus strand (G>A on the coding strand, the complement: WDPCP is on the minus strand). VCF-style: chr2-63433744-C-T. GRCh37 (hg19) VCF-style: chr2-63660878-C-T.
Other names: c.753+1G>A (NM_001354044.2); c.348+1G>A (NM_001042692.3); c.825+1G>A (NM_001354045.2).
Identifiers: ClinVar variation 1979061 (VCV001979061.4), dbSNP rs2466926997, ClinGen allele CA347062177.

ClinVar aggregate classification (germline): Likely pathogenic (1 of 4 stars; one submission).

Conditions:
Bardet-Biedl syndrome (BBS). Identifiers: Orphanet 110, MedGen C0752166, MONDO:0015229.

Submission:

Labcorp Genetics (formerly Invitae), Labcorp
Classification: Likely pathogenic for Bardet-Biedl syndrome. Last evaluated: 2022-05-30. Review status: criteria provided, single submitter. Criteria: Invitae Variant Classification Sherloc (09022015). Collection method: clinical testing. Allele origin: germline.
Comment: This sequence change affects a donor splice site in intron 9 of the WDPCP gene. It is expected to disrupt RNA splicing. Variants that disrupt the donor or acceptor splice site typically lead to a loss of protein function (PMID: 16199547), and loss-of-function variants in WDPCP are known to be pathogenic (PMID: 20671153, 25427950, 27158779). This variant is not present in population databases (gnomAD no frequency). In summary, the currently available evidence indicates that the variant is pathogenic, but additional data are needed to prove that conclusively. Therefore, this variant has been classified as Likely Pathogenic. Algorithms developed to predict the effect of sequence changes on RNA splicing suggest that this variant may disrupt the consensus splice site. This variant has not been reported in the literature in individuals affected with WDPCP-related conditions.

Literature cited by the submitters: PubMed 16199547; PubMed 20671153; PubMed 25427950; PubMed 27158779.